The following is an entry in ClinVar:

ClinVar aggregate classification (germline): Likely benign. Review status: criteria provided, multiple submitters, no conflicts (2 of 4 stars). 8 submissions from 8 submitters: Likely benign (6). 2 of the submissions do not count toward it. Last evaluated 2025-12-15.

Conditions:
Familial cancer of breast. Also called: Hereditary breast cancer; hereditary breast carcinoma; BREAST CANCER, FAMILIAL. Identifiers: Orphanet 227535, MedGen C0346153, MONDO:0016419, OMIM 114480. Disease mechanism: loss of function.
Breast-ovarian cancer, familial, susceptibility to, 1 (BROVCA1). Also called: BRCA1 Hereditary Breast and Ovarian Cancer; OVARIAN CANCER, SUSCEPTIBILITY TO. Identifiers: Orphanet 145, MedGen C2676676, MONDO:0011450, OMIM 604370. Disease mechanism: loss of function.
Fanconi anemia, complementation group S (FANCS). Identifiers: MedGen C4554406, MONDO:0054748, OMIM 617883.
Hereditary cancer-predisposing syndrome. Also called: Tumor predisposition; Hereditary neoplastic syndrome; Hereditary Cancer Syndrome; Neoplastic Syndromes, Hereditary. Identifiers: Orphanet 140162, MedGen C0027672, MeSH D009386, MONDO:0015356.
Hereditary breast ovarian cancer syndrome. Also called: Hereditary breast and/or ovarian cancer syndrome; Breast and ovarian cancer; Hereditary breast and ovarian cancer syndrome; Hereditary breast and ovarian cancer; Hereditary breast and ovarian cancer syndrome (HBOC); BRCA1- and BRCA2-Associated Hereditary Breast and Ovarian Cancer. Identifiers: Orphanet 145, MedGen C0677776, MeSH D061325, MONDO:0003582. Disease mechanism: loss of function.

Allele frequency attached by ClinVar (database versions not stated): gnomAD exomes below 0.00001; ExAC 0.00001; gnomAD 0.00001; TOPMed 0.00002.
gnomAD v4.1: 5 of 1,610,328 alleles (0.00031%); highest among the groups gnomAD compares: African/African-American, 0.0067%; no homozygotes.

Submissions (9):

Labcorp Genetics (formerly Invitae), Labcorp
Classification: Likely benign for Hereditary breast ovarian cancer syndrome. Last evaluated: 2025-12-15. Review status: criteria provided, single submitter. Criteria: Invitae Variant Classification Sherloc (09022015). Collection method: clinical testing. Allele origin: germline.

Quest Diagnostics Nichols Institute San Juan Capistrano
Classification: Likely benign. Last evaluated: 2023-07-14. Review status: criteria provided, single submitter. Criteria: Quest Diagnostics criteria. Collection method: clinical testing. Allele origin: unknown.

Department of Pathology and Laboratory Medicine, Sinai Health System
Classification: Likely benign for Familial cancer of breast; Breast-ovarian cancer, familial, susceptibility to, 1; Fanconi anemia, complementation group S. Last evaluated: 2021-11-17. Review status: criteria provided, single submitter. Criteria: ACMG Guidelines, 2015. Collection method: clinical testing. Allele origin: germline. Affected: yes.

Women's Health and Genetics/Laboratory Corporation of America, LabCorp
Classification: Likely benign. Last evaluated: 2021-08-27. Review status: criteria provided, single submitter. Criteria: LabCorp Variant Classification Summary - May 2015. Collection method: clinical testing. Allele origin: germline.
Comment: Variant summary: BRCA1 c.301+10G>A alters a non-conserved nucleotide located close to a canonical splice site and therefore could affect mRNA splicing, leading to a significantly altered protein sequence. 4/4 computational tools predict no significant impact on normal splicing. However, these predictions have yet to be confirmed by functional studies. The variant allele was found at a frequency of 4e-06 in 251148 control chromosomes. The available data on variant occurrences in the general population are insufficient to allow any conclusion about variant significance. To our knowledge, no occurrence of c.301+10G>A in individuals affected with Hereditary Breast And Ovarian Cancer Syndrome has been reported. At least one functional study reports experimental evidence evaluating an impact on protein function and showed no damaging effect of this variant on homology directed repair (HDR) activity (e.g. Findlay_2018). HDR assays qualify as a recognized gold standard on the basis of updated guidance provided by the ClinGen Sequence Variant Interpretation (SVI) working group. This working group has recommended strong functional evidence (ACMG BS3) as sufficient weightage for categorization as likely benign (Tavtigian_2018). Four clinical diagnostic laboratories have submitted clinical-significance assessments for this variant to ClinVar after 2014 without evidence for independent evaluation. All laboratories classified the variant as likely benign. Based on the evidence outlined above, the variant was classified as likely benign.

GeneDx
Classification: Likely benign. Last evaluated: 2017-06-22. Review status: criteria provided, single submitter. Criteria: GeneDx Variant Classification (06012015). Collection method: clinical testing. Allele origin: germline. Affected: yes.
Comment: This variant is considered likely benign or benign based on one or more of the following criteria: it is a conservative change, it occurs at a poorly conserved position in the protein, it is predicted to be benign by multiple in silico algorithms, and/or has population frequency not consistent with disease.

Color Diagnostics, LLC DBA Color Health
Classification: Likely benign for Hereditary cancer-predisposing syndrome. Last evaluated: 2016-10-17. Review status: criteria provided, single submitter. Criteria: ACMG Guidelines, 2015. Collection method: clinical testing. Allele origin: germline.

Counsyl
Classification: Likely benign for Breast-ovarian cancer, familial, susceptibility to, 1. Last evaluated: 2016-09-08. Review status: no assertion criteria provided. Collection method: clinical testing. Allele origin: unknown. Not counted in ClinVar's aggregate classification.

Breast Cancer Information Core (BIC) (BRCA1)
Classification: Uncertain significance for Breast-ovarian cancer, familial 1. Last evaluated: 2002-05-29. Review status: no assertion criteria provided. Collection method: clinical testing. Allele origin: germline. Affected: yes. Observed: 1 variant allele. Not counted in ClinVar's aggregate classification.

Brotman Baty Institute, University of Washington
No classification provided (evidence only). Condition: Breast-ovarian cancer, familial 1. Review status: no classification provided. Collection method: in vitro. Allele origin: not applicable. Functional consequence: functionally_normal. Not counted in ClinVar's aggregate classification.
ClinVar note: "not provided" was previously submitted as the classification for the variant. However, the classification appeared to be based only on an observation of functional data so it was converted to no classification on 2025-07-30.

Literature cited by the submitters: PubMed 30702160 (cited by Quest Diagnostics Nichols Institute San Juan Capistrano); PubMed 31131967 (cited by Quest Diagnostics Nichols Institute San Juan Capistrano); PubMed 30209399 (cited by Quest Diagnostics Nichols Institute San Juan Capistrano and Women's Health and Genetics/Laboratory Corporation of America, LabCorp).

NM_007294.4(BRCA1):c.301+10G>A

Gene: BRCA1 (BRCA1 DNA repair associated; minus strand). Cytogenetic location: 17q21.31.
Variant type: single nucleotide variant.
Coding change: c.301+10G>A on transcript NM_007294.4 (MANE Select); 10 bases into the intron after coding-DNA position 301, G replaced by A.
Molecular consequence: intron variant.
Genome position (GRCh38, 1-based): chr17:43,104,858, C>T on the plus strand (G>A on the coding strand, the complement: BRCA1 is on the minus strand). VCF-style: chr17-43104858-C-T. GRCh37 (hg19) VCF-style: chr17-41256875-C-T.
Other names: IVS6+10G>A; c.160+10G>A (NM_001408458.1, NM_001407931.1, NM_001407747.1 and 99 more transcripts); c.-218-9998G>A (NM_001407967.1, NM_001407966.1); c.-81+10G>A (NM_001407959.1, NM_001407962.1, NM_001408512.1 and 4 more transcripts); c.91+10G>A (NM_001407885.1, NM_001407886.1, NM_001407898.1 and 58 more transcripts); c.301+10G>A (NM_001407686.1, NM_001408397.1, NM_001407632.1 and 164 more transcripts); c.169+10G>A (NM_001408451.1); c.223+10G>A (NM_001408475.1, NM_001407875.1, NM_001407659.1 and 21 more transcripts); and 1 more.
Identifiers: ClinVar variation 125663 (VCV000125663.29), dbSNP rs80358001, ClinGen allele CA001963.